The following is an entry in ClinVar:

ClinVar aggregate classification (germline): Uncertain significance (1 of 4 stars; one submission).

gnomAD v4.1: 6 of 1,614,048 alleles (0.00037%); highest among the groups gnomAD compares: Admixed American, 0.0033%; no homozygotes.

Submission:

Dasa
Classification: Uncertain significance. Last evaluated: 2026-02-18. Review status: criteria provided, single submitter. Criteria: DASA Assertion Criteria. Collection method: clinical testing. Allele origin: germline.
Comment: NM_207122.2(EXT2):c.968G>A (p.Gly323Glu) is a missense variant that results in the substitution of glycine with glutamic acid. This variant is rare in population databases. Computational prediction algorithms are consistent with a deleterious effect. The currently available literature and clinical evidence are not sufficient to establish a definitive association between this variant and the reported condition. Therefore, this variant is classified as a variant of uncertain significance.

NM_207122.2(EXT2):c.968G>A (p.Gly323Glu)

Gene: EXT2 (exostosin glycosyltransferase 2; plus strand). Cytogenetic location: 11p11.2.
Variant type: single nucleotide variant.
Coding change: c.968G>A on transcript NM_207122.2 (MANE Select); coding-DNA position 968, G replaced by A.
Protein change: p.Gly323Glu; replaces glycine 323 with glutamic acid.
Molecular consequence: missense variant.
Genome position (GRCh38, 1-based): chr11:44,126,844, G>A. VCF-style: chr11-44126844-G-A. GRCh37 (hg19) VCF-style: chr11-44148394-G-A.
Other names: c.1067G>A, p.Gly356Glu (NM_000401.3); c.968G>A, p.Gly323Glu (NM_001178083.3, NM_001389628.1, NM_001389630.1); short protein forms G323E, G356E.
Identifiers: ClinVar variation 5020707 (VCV005020707.1).